The following is an entry in ClinVar:

NM_005883.3(APC2):c.1176_1189del (p.Asp392fs)

Gene: APC2 (APC regulator of Wnt signaling pathway 2; plus strand). Cytogenetic location: 19p13.3.
Variant type: Deletion.
Coding change: c.1176_1189del on transcript NM_005883.3 (MANE Select); coding-DNA positions 1176 to 1189, 14 bases deleted (CGGCGGGCCCGAGG).
Protein change: p.Asp392fs; shifts the reading frame from aspartic acid 392.
Molecular consequence: frameshift variant.
Genome position (GRCh38, 1-based): chr19:1,457,212-1,457,225, CGGCGGGCCCGAGG deleted. VCF-style (leftmost placement, unchanged base first): chr19-1457211-ACGGCGGGCCCGAGG-A. GRCh37 (hg19) VCF-style: chr19-1457210-ACGGCGGGCCCGAGG-A.
Other names: c.1173_1186del, p.Asp391fs (NM_001351273.1); short protein forms D391fs, D392fs.
Identifiers: ClinVar variation 3689072 (VCV003689072.2).

ClinVar aggregate classification (germline): Pathogenic (1 of 4 stars; one submission).

Submission:

Labcorp Genetics (formerly Invitae), Labcorp
Classification: Pathogenic. Last evaluated: 2024-03-01. Review status: criteria provided, single submitter. Criteria: Invitae Variant Classification Sherloc (09022015). Collection method: clinical testing. Allele origin: germline.
Comment: This sequence change creates a premature translational stop signal (p.Asp392Glufs*28) in the APC2 gene. It is expected to result in an absent or disrupted protein product. Loss-of-function variants in APC2 are known to be pathogenic (PMID: 31585108). This variant is not present in population databases (gnomAD no frequency). This variant has not been reported in the literature in individuals affected with APC2-related conditions. For these reasons, this variant has been classified as Pathogenic.

Literature cited by the submitters: PubMed 31585108.